The following is an entry in ClinVar:

ClinVar aggregate classification (germline): Uncertain significance (1 of 4 stars; one submission).

Conditions:
Nephronophthisis. Also called: Juvenile Nephronophthisis. Identifiers: Orphanet 655, MedGen C0687120, MONDO:0019005, HP:0000090.

Submission:

Labcorp Genetics (formerly Invitae), Labcorp
Classification: Uncertain significance for Nephronophthisis. Last evaluated: 2021-09-04. Review status: criteria provided, single submitter. Criteria: Invitae Variant Classification Sherloc (09022015). Collection method: clinical testing. Allele origin: germline.
Comment: In summary, the available evidence is currently insufficient to determine the role of this variant in disease. Therefore, it has been classified as a Variant of Uncertain Significance. Algorithms developed to predict the effect of missense changes on protein structure and function are either unavailable or do not agree on the potential impact of this missense change (SIFT: "Deleterious"; PolyPhen-2: "Probably Damaging"; Align-GVGD: "Class C0"). This sequence change replaces arginine with proline at codon 959 of the NPHP4 protein (p.Arg959Pro). The arginine residue is moderately conserved and there is a moderate physicochemical difference between arginine and proline. This variant is not present in population databases (ExAC no frequency). This variant has not been reported in the literature in individuals affected with NPHP4-related conditions.

NM_015102.5(NPHP4):c.2876G>C (p.Arg959Pro)

Gene: NPHP4 (nephrocystin 4; minus strand). Cytogenetic location: 1p36.31.
Variant type: single nucleotide variant.
Coding change: c.2876G>C on transcript NM_015102.5 (MANE Select); coding-DNA position 2876, G replaced by C.
Protein change: p.Arg959Pro; replaces arginine 959 with proline.
Molecular consequence: missense variant. On other transcripts: non-coding transcript variant (1).
Genome position (GRCh38, 1-based): chr1:5,875,042, C>G on the plus strand (G>C on the coding strand, the complement: NPHP4 is on the minus strand). VCF-style: chr1-5875042-C-G. GRCh37 (hg19) VCF-style: chr1-5935102-C-G.
Other names: c.1337G>C, p.Arg446Pro (NM_001291593.2); c.1340G>C, p.Arg447Pro (NM_001291594.2); short protein forms R447P, R959P, R446P.
Identifiers: ClinVar variation 1397517 (VCV001397517.6), dbSNP rs12084067, ClinGen allele CA338056547.
Genomic context (GRCh38, chr1:5,875,042, plus strand): 5'-TGCTCCGTGGTGATGGCCAGGCTCAGCAGGCTGGCGATGCTCTCGGCCTTCGTGCGTTCC[C>G]GGTAGGCGGCGATGACCTGTAGGTCCCGCAAGTGCTGTGTGCGGACGCTCTGCTGCGCCT-3'
Protein context (NP_055917.1, residues 949-969): LRDLQVIAAY[Arg959Pro]ERTKAESIAS